The following is an entry in ClinVar:

NM_001130438.3(SPTAN1):c.2193+4G>A

Gene: SPTAN1 (spectrin alpha, non-erythrocytic 1; plus strand). Cytogenetic location: 9q34.11.
Variant type: single nucleotide variant.
Coding change: c.2193+4G>A on transcript NM_001130438.3 (MANE Select); 4 bases into the intron after coding-DNA position 2193, G replaced by A.
Molecular consequence: intron variant.
Genome position (GRCh38, 1-based): chr9:128,583,973, G>A. VCF-style: chr9-128583973-G-A. GRCh37 (hg19) VCF-style: chr9-131346252-G-A.
Other names: c.2193+4G>A (NM_001363759.2, NM_003127.4, NM_001363765.2 and 1 more transcripts).
Identifiers: ClinVar variation 588986 (VCV000588986.5), dbSNP rs988247379, ClinGen allele CA891843251.

ClinVar aggregate classification (germline): Uncertain significance (1 of 4 stars; one submission).

Conditions:
Inborn genetic diseases. Identifiers: MedGen C0950123, MeSH D030342.

gnomAD v4.1: 2 of 1,614,094 alleles (0.00012%); highest among the groups gnomAD compares: Non-Finnish European, 0.000085%; no homozygotes.

Submission:

Ambry Genetics
Classification: Uncertain significance for Inborn genetic diseases. Last evaluated: 2017-12-26. Review status: criteria provided, single submitter. Criteria: Ambry Variant Classification Scheme 2023. Collection method: clinical testing. Allele origin: germline.
Comment: The c.2193+4G>A intronic variant results from a G to A substitution 4 nucleotides after coding exon 15 in the SPTAN1 gene. This nucleotide position is not well conserved in available vertebrate species. This splice prediction software does not produce a reliable prediction for the nearby native splice donor site. This splice prediction software does not predict a deleterious effect on splicing. Since supporting evidence is limited at this time, the clinical significance of this alteration remains unclear.